The following is an entry in ClinVar:

NM_001382273.1(TNK2):c.2462G>A (p.Arg821Gln)

Gene: TNK2 (tyrosine kinase non receptor 2; minus strand). Cytogenetic location: 3q29.
Variant type: single nucleotide variant.
Coding change: c.2462G>A on transcript NM_001382273.1 (MANE Select); coding-DNA position 2462, G replaced by A.
Protein change: p.Arg821Gln; replaces arginine 821 with glutamine.
Molecular consequence: missense variant. On other transcripts: non-coding transcript variant (15).
Genome position (GRCh38, 1-based): chr3:195,867,836, C>T on the plus strand (G>A on the coding strand, the complement: TNK2 is on the minus strand). VCF-style: chr3-195867836-C-T. GRCh37 (hg19) VCF-style: chr3-195594707-C-T.
Other names: c.2534G>A, p.Arg845Gln (NM_001010938.2, NM_001382272.1); c.2513G>A, p.Arg838Gln (NM_001308046.2, NM_001382271.1); c.2462G>A, p.Arg821Gln (NM_001382274.1, NM_001387716.1, NM_001387717.1 and 1 more transcripts); c.2558G>A, p.Arg853Gln (NM_001382275.1, NM_001387707.1); c.2417G>A, p.Arg806Gln (NM_001386164.1, NM_001387709.1, NM_001387710.1 and 8 more transcripts); c.2489G>A, p.Arg830Gln (NM_001387708.1, NM_001387715.1); short protein forms R853Q, R838Q, R845Q, R821Q, R830Q, R806Q.
Identifiers: ClinVar variation 2877980 (VCV002877980.3), dbSNP rs200026055, ClinGen allele CA2775914.
Genomic context (GRCh38, chr3:195,867,836, plus strand): 5'-TTGGGGTCTGAGGCAAAGCTCTGGGTGGTGGGCATGGTCTTCCCAGGTGAGCTTGAGAGC[C>T]GGGGTGGCAGCGGGGAGCTGCCAGGTGGTACCAGGGGGCTGGGTGTCCTCGAGCCTTGAG-3'
Protein context (NP_001369202.1, residues 811-831): VPPGSSPLPP[Arg821Gln]LSSSPGKTMP

ClinVar aggregate classification (germline): Uncertain significance (1 of 4 stars; one submission).

Allele frequency attached by ClinVar (database versions not stated): gnomAD exomes 0.00008; ExAC 0.00010; ESP Exome Variant Server 0.00031; TOPMed 0.00041; gnomAD 0.00042.
gnomAD v4.1: 169 of 1,536,644 alleles (0.011%); highest among the groups gnomAD compares: African/African-American, 0.15%; no homozygotes.

Submission:

Labcorp Genetics (formerly Invitae), Labcorp
Classification: Uncertain significance. Last evaluated: 2024-10-24. Review status: criteria provided, single submitter. Criteria: Invitae Variant Classification Sherloc (09022015). Collection method: clinical testing. Allele origin: germline.
Comment: This sequence change replaces arginine, which is basic and polar, with glutamine, which is neutral and polar, at codon 884 of the TNK2 protein (p.Arg884Gln). This variant is present in population databases (rs200026055, gnomAD 0.1%), and has an allele count higher than expected for a pathogenic variant. This variant has not been reported in the literature in individuals affected with TNK2-related conditions. An algorithm developed to predict the effect of missense changes on protein structure and function (PolyPhen-2) suggests that this variant is likely to be disruptive. In summary, the available evidence is currently insufficient to determine the role of this variant in disease. Therefore, it has been classified as a Variant of Uncertain Significance.